The following is an entry in ClinVar:

NM_025074.7(FRAS1):c.667_668delinsAG (p.Ala223Arg)

Gene: FRAS1 (Fraser extracellular matrix complex subunit 1; plus strand). Cytogenetic location: 4q21.21.
Variant type: Indel.
Coding change: c.667_668delinsAG on transcript NM_025074.7 (MANE Select); coding-DNA positions 667 to 668, GC replaced by AG.
Protein change: p.Ala223Arg; replaces alanine 223 with arginine.
Molecular consequence: missense variant.
Genome position (GRCh38, 1-based): chr4:78,265,088-78,265,089, GC replaced by AG. VCF-style: chr4-78265088-GC-AG. GRCh37 (hg19) VCF-style: chr4-79186242-GC-AG.
Other names: c.667_668delinsAG, p.Ala223Arg (NM_001166133.2); short protein forms A223R.
Identifiers: ClinVar variation 2037880 (VCV002037880.1), dbSNP rs2476537314, ClinGen allele CA2580071809.
Genomic context (GRCh38, chr4:78,265,088, plus strand): 5'-GAGACTGTAGTCCGAGTCCCTGGAAAATGTTGCCCGCAGTGCTCTGCAAGATCCTGCTCT[GC>AG]AGCTGGCCAAGTATACGAGGTAAGCTTTCATGCTCCCCATGTAGGTGTTTTGACATCCGT-3'
Protein context (NP_079350.5, residues 213-233): CPQCSARSCS[Ala223Arg]AGQVYEHGEQ

ClinVar aggregate classification (germline): Uncertain significance (1 of 4 stars; one submission).

Submission:

Labcorp Genetics (formerly Invitae), Labcorp
Classification: Uncertain significance. Last evaluated: 2022-03-17. Review status: criteria provided, single submitter. Criteria: Invitae Variant Classification Sherloc (09022015). Collection method: clinical testing. Allele origin: germline.
Comment: This sequence change replaces alanine, which is neutral and non-polar, with arginine, which is basic and polar, at codon 223 of the FRAS1 protein (p.Ala223Arg). Information on the frequency of this variant in the gnomAD database is not available, as this variant may be reported differently in the database. This variant has not been reported in the literature in individuals affected with FRAS1-related conditions. Algorithms developed to predict the effect of missense changes on protein structure and function are either unavailable or do not agree on the potential impact of this missense change (SIFT: "Not Available"; PolyPhen-2: "Possibly Damaging"; Align-GVGD: "Not Available"). In summary, the available evidence is currently insufficient to determine the role of this variant in disease. Therefore, it has been classified as a Variant of Uncertain Significance.